The following is an entry in ClinVar:

NM_000298.6(PKLR):c.401T>A (p.Val134Asp)

Gene: PKLR (pyruvate kinase L/R; minus strand). Cytogenetic location: 1q22.
Variant type: single nucleotide variant.
Coding change: c.401T>A on transcript NM_000298.6 (MANE Select); coding-DNA position 401, T replaced by A.
Protein change: p.Val134Asp; replaces valine 134 with aspartic acid.
Molecular consequence: missense variant.
Genome position (GRCh38, 1-based): chr1:155,295,543, A>T on the plus strand (T>A on the coding strand, the complement: PKLR is on the minus strand). VCF-style: chr1-155295543-A-T. GRCh37 (hg19) VCF-style: chr1-155265334-A-T.
Other names: c.401T>A (NM_000298.5); c.308T>A, p.Val103Asp (NM_181871.4); short protein forms V103D, V134D.
Identifiers: ClinVar variation 1284904 (VCV001284904.15), dbSNP rs574051756, ClinGen allele CA1144340.

ClinVar aggregate classification (germline): Pathogenic/Likely pathogenic. Review status: criteria provided, multiple submitters, no conflicts (2 of 4 stars). 7 submissions from 7 submitters: Pathogenic (2); Likely pathogenic (3). 2 of the submissions do not count toward it. Last evaluated 2025-03-04.

Conditions:
PKLR-related disorder. Also called: PKLR-related condition.

Allele frequency attached by ClinVar (database versions not stated): gnomAD exomes below 0.00001 and 0.00004; ExAC 0.00001; TOPMed 0.00002; gnomAD 0.00003.
gnomAD v4.1: 55 of 1,613,780 alleles (0.0034%); highest among the groups gnomAD compares: Non-Finnish European, 0.0046%; no homozygotes.

Submissions (7):

Center for Genomic Medicine, Rigshospitalet, Copenhagen University Hospital
Classification: Likely pathogenic. Last evaluated: 2025-03-04. Review status: criteria provided, single submitter. Criteria: ACMG Guidelines, 2015. Collection method: clinical testing. Allele origin: germline.

Blueprint Genetics
Classification: Pathogenic for PKLR-related disorders. Last evaluated: 2024-09-30. Review status: criteria provided, single submitter. Criteria: ACMG Guidelines, 2015. Collection method: clinical testing. Allele origin: germline. Affected: yes. Observed: 5 variant alleles.

Revvity Omics, Revvity
Classification: Pathogenic. Last evaluated: 2024-08-01. Review status: criteria provided, single submitter. Criteria: ACMG Guidelines, 2015. Collection method: clinical testing. Allele origin: germline.

ARUP Laboratories, Molecular Genetics and Genomics, ARUP Laboratories
Classification: Likely pathogenic. Last evaluated: 2023-12-29. Review status: criteria provided, single submitter. Criteria: ARUP Molecular Germline Variant Investigation Process 2024. Collection method: clinical testing. Allele origin: germline.
Comment: The PKLR c.401T>A; p.Val134Asp variant (rs574051756) is reported in the literature as a compound heterozygous variant in individuals with hemolytic anemia due to pyruvate kinase deficiency (Baronciani 1993, Beutler 2000, Bianchi 2020, Rab 2021, Van Dooijeweert 2021). This variant is also reported in ClinVar (Variation ID: 1284904). This variant is found in the non-Finnish European population with an allele frequency of 0.002% (3/127170 alleles) in the Genome Aggregation Database. The valine at codon 134 is weakly conserved, but computational analyses predict that this variant is deleterious (REVEL: 0.872). Based on available information, this variant is considered to be likely pathogenic. References: Baronciani L et al. Analysis of pyruvate kinase-deficiency mutations that produce nonspherocytic hemolytic anemia. Proc Natl Acad Sci U S A. 1993 May 1. PMID: 8483951. Beutler E et al. Estimating the prevalence of pyruvate kinase deficiency from the gene frequency in the general white population. Blood. 2000 Jun 1. PMID: 10828047. Bianchi P et al. Genotype-phenotype correlation and molecular heterogeneity in pyruvate kinase deficiency. Am J Hematol. 2020 May. PMID: 32043619. Rab MAE et al. AG-348 (Mitapivat), an allosteric activator of red blood cell pyruvate kinase, increases enzymatic activity, protein stability, and ATP levels over a broad range of PKLR genotypes. Haematologica. 2021 Jan 1. PMID: 31974203. Van Dooijeweert B et al. Untargeted metabolic profiling in dried blood spots identifies disease fingerprint for pyruvate kinase deficiency. Haematologica. 2021 Oct 1. PMID: 33054133.

Rady Children's Institute for Genomic Medicine, Rady Children's Hospital San Diego
Classification: Likely pathogenic for PKLR-related disorders. Last evaluated: 2023-12-22. Review status: criteria provided, single submitter. Criteria: ACMG Guidelines, 2015. Collection method: clinical testing. Allele origin: germline. Affected: yes.
Comment: The c.401T>A (p.Val134Asp) variant affects a weakly conserved amino acid; however, in silico analyses predict a deleterious effect on protein function. This variant has been previously reported as a compound heterozygous change in patients with pyruvate kinase deficiency (PMID: 8483951, 32043619). The c.401T>A (p.Val134Asp) variant is present in the heterozygous state in the gnomAD population database at a frequency of 0.001% (3/280082), and is absent in the homozygous state, thus is presumed to be rare. Based on the available evidence, c.401T>A (p.Val134Asp) is classified as Likely Pathogenic.

Genome Diagnostics Laboratory, University Medical Center Utrecht
Classification: Pathogenic. Review status: no assertion criteria provided. Collection method: clinical testing. Allele origin: germline. Affected: yes. Study: VKGL Data-share Consensus. Not counted in ClinVar's aggregate classification.

Joint Genome Diagnostic Labs from Nijmegen and Maastricht, Radboudumc and MUMC+
Classification: Pathogenic. Review status: no assertion criteria provided. Collection method: clinical testing. Allele origin: germline. Affected: yes. Study: VKGL Data-share Consensus. Not counted in ClinVar's aggregate classification.

Literature cited by the submitters: PubMed 8483951 (cited by Center for Genomic Medicine, Rigshospitalet, Copenhagen University Hospital).